The following is an entry in ClinVar:

NM_000548.5(TSC2):c.2451C>T (p.Asp817=)

Gene: TSC2 (TSC complex subunit 2; plus strand). Cytogenetic location: 16p13.3.
Variant type: single nucleotide variant.
Coding change: c.2451C>T on transcript NM_000548.5 (MANE Select); coding-DNA position 2451, C replaced by T.
Protein change: p.Asp817=; no amino-acid change (aspartic acid 817 retained).
Molecular consequence: synonymous variant.
Genome position (GRCh38, 1-based): chr16:2,074,295, C>T. VCF-style: chr16-2074295-C-T. GRCh37 (hg19) VCF-style: chr16-2124296-C-T.
Other names: p.D817D:GAC>GAT; c.2451C>T (NM_000548.4); c.2451C>T, p.Asp817= (NM_001077183.3, NM_001114382.3, NM_001363528.2 and 3 more transcripts); c.2340C>T, p.Asp780= (NM_001318827.2); c.2304C>T, p.Asp768= (NM_001318829.2); c.1851C>T, p.Asp617= (NM_001318831.2); c.2484C>T, p.Asp828= (NM_001318832.2).
Identifiers: ClinVar variation 64991 (VCV000064991.49), dbSNP rs201442542, ClinGen allele CA017436.
Genomic context (GRCh38, chr16:2,074,295, plus strand): 5'-CCACCGCTGTGCCAGCCAGTGCGTCGTGGCCTTGTCCATCTGCAGCGTGGAGATGCCTGA[C>T]ATCATCATCAAGGCGCTGCCTGTTCTGGTGGTGAAGCTCACGCACATCTCAGCCACAGCC-3'
Protein context (NP_000539.2, residues 807-827): ALSICSVEMP[Asp817=]IIIKALPVLV

ClinVar aggregate classification (germline): Benign/Likely benign. Review status: criteria provided, multiple submitters, no conflicts (2 of 4 stars). 14 submissions from 14 submitters: Benign (8); Likely benign (5). 1 of the submissions does not count toward it. Last evaluated 2026-02-03.

Conditions:
Hereditary cancer-predisposing syndrome. Also called: Hereditary Cancer Syndrome; Tumor predisposition; Neoplastic Syndromes, Hereditary; Hereditary neoplastic syndrome. Identifiers: Orphanet 140162, MedGen C0027672, MeSH D009386, MONDO:0015356.
Tuberous sclerosis syndrome (TSC). Also called: Tuberous Sclerosis Complex; Tuberous sclerosis. Identifiers: Orphanet 805, MedGen C0041341, MONDO:0001734.
Tuberous sclerosis 2 (TSC2). Identifiers: Orphanet 805, MedGen C1860707, MONDO:0013199, OMIM 613254.

Allele frequency attached by ClinVar (database versions not stated): 1000 Genomes Project 30x 0.00062; 1000 Genomes Project 0.00080; gnomAD exomes 0.00093; ExAC 0.00103; ESP Exome Variant Server 0.00008; gnomAD 0.00012 and 0.00024; TOPMed 0.00017.
gnomAD v4.1: 819 of 1,613,236 alleles (0.051%); highest among the groups gnomAD compares: South Asian, 0.57%; 5 homozygotes.

Submissions (14):

Labcorp Genetics (formerly Invitae), Labcorp
Classification: Benign for Tuberous sclerosis 2. Last evaluated: 2026-02-03. Review status: criteria provided, single submitter. Criteria: Invitae Variant Classification Sherloc (09022015). Collection method: clinical testing. Allele origin: germline.

Myriad Genetics, Inc.
Classification: Benign for Tuberous sclerosis 2. Last evaluated: 2025-05-20. Review status: criteria provided, single submitter. Criteria: Myriad Autosomal Dominant, Autosomal Recessive and X-Linked Classification Criteria (2023). Collection method: clinical testing. Allele origin: unknown.
Comment: This variant is considered benign. This variant is a silent/synonymous amino acid change and it is not expected to impact splicing.

CeGaT Center for Human Genetics Tuebingen
Classification: Likely benign. Last evaluated: 2025-04-01. Review status: criteria provided, single submitter. Criteria: CeGaT Center For Human Genetics Tuebingen Variant Classification Criteria Version 2. Collection method: clinical testing. Allele origin: germline. Affected: yes. Observed: 5 variant alleles.
Comment: TSC2: BP4, BP7

Blueprint Genetics
Classification: Likely benign. Last evaluated: 2024-11-22. Review status: criteria provided, single submitter. Criteria: ACMG Guidelines, 2015. Collection method: clinical testing. Allele origin: germline.

All of Us Research Program, National Institutes of Health
Classification: Likely benign for Tuberous sclerosis syndrome. Last evaluated: 2023-12-18. Review status: criteria provided, single submitter. Criteria: ACMG Guidelines, 2015. Collection method: clinical testing. Allele origin: germline. Inheritance: Autosomal dominant inheritance. Observed: 56 variant alleles, 56 heterozygotes.
Comment: This study involves interpretation of variants in research participants for the purpose of population health screening. Participant phenotype was not available at the time of variant classification. Additional details can be found in publication PMID: 35346344, PMCID: PMC8962531

KCCC/NGS Laboratory, Kuwait Cancer Control Center
Classification: Benign for Tuberous sclerosis 2. Last evaluated: 2023-07-07. Review status: criteria provided, single submitter. Criteria: ACMG Guidelines, 2015. Collection method: clinical testing. Allele origin: germline. Affected: yes.

Color Diagnostics, LLC DBA Color Health
Classification: Likely benign for Tuberous sclerosis syndrome. Last evaluated: 2022-09-07. Review status: criteria provided, single submitter. Criteria: ACMG Guidelines, 2015. Collection method: clinical testing. Allele origin: germline.

Genome-Nilou Lab
Classification: Benign for Tuberous sclerosis 2. Last evaluated: 2021-11-07. Review status: criteria provided, single submitter. Criteria: ACMG Guidelines, 2015. Collection method: clinical testing. Allele origin: germline. Affected: no.

Sema4
Classification: Benign for Hereditary cancer-predisposing syndrome. Last evaluated: 2021-06-16. Review status: criteria provided, single submitter. Criteria: Sema4 Curation Guidelines. Collection method: curation. Allele origin: germline.

Athena Diagnostics
Classification: Benign. Last evaluated: 2017-06-23. Review status: criteria provided, single submitter. Criteria: Athena Diagnostics Criteria. Collection method: clinical testing. Allele origin: germline.

Ambry Genetics
Classification: Likely benign for Hereditary cancer-predisposing syndrome. Last evaluated: 2015-08-20. Review status: criteria provided, single submitter. Criteria: Ambry Variant Classification Scheme 2023. Collection method: clinical testing. Allele origin: germline.

GeneDx
Classification: Benign. Last evaluated: 2014-04-17. Review status: criteria provided, single submitter. Criteria: GeneDx Variant Classification (06012015). Collection method: clinical testing. Allele origin: germline. Affected: yes.
Comment: This variant is considered likely benign or benign based on one or more of the following criteria: it is a conservative change, it occurs at a poorly conserved position in the protein, it is predicted to be benign by multiple in silico algorithms, and/or has population frequency not consistent with disease.

PreventionGenetics, part of Exact Sciences
Classification: Benign. Review status: criteria provided, single submitter. Criteria: ACMG Guidelines, 2015. Collection method: clinical testing. Allele origin: germline.

Tuberous sclerosis database (TSC2)
No classification provided. Condition: TSC. Review status: no classification provided. Criteria: Tuberous Sclerosis Database Assertion Criteria 2015. Collection method: curation. Allele origin: germline. Affected: yes. Not counted in ClinVar's aggregate classification.

Literature cited by the submitters: PubMed 18032745 (cited by Athena Diagnostics).